The following is an entry in ClinVar:

NM_001083962.2(TCF4):c.9C>G (p.His3Gln)

Gene: TCF4 (transcription factor 4; minus strand). Cytogenetic location: 18q21.2.
Variant type: single nucleotide variant.
Coding change: c.9C>G on transcript NM_001083962.2 (MANE Select); coding-DNA position 9, C replaced by G.
Protein change: p.His3Gln; replaces histidine 3 with glutamine.
Molecular consequence: missense variant. On other transcripts: intron variant (12).
Genome position (GRCh38, 1-based): chr18:55,587,108, G>C on the plus strand (C>G on the coding strand, the complement: TCF4 is on the minus strand). VCF-style: chr18-55587108-G-C. GRCh37 (hg19) VCF-style: chr18-53254339-G-C.
Other names: c.315C>G, p.His105Gln (NM_001243226.3); c.9C>G, p.His3Gln (NM_001243228.2, NM_001330604.3, NM_001369567.1 and 8 more transcripts); c.1-1756C>G (NM_001369584.1, NM_001369576.1, NM_001369577.1 and 3 more transcripts); c.66+1362C>G (NM_001243230.2); c.-1+930C>G (NM_001369585.1, NM_001369578.1, NM_001369579.1 and 2 more transcripts); short protein forms H3Q, H105Q.
Identifiers: ClinVar variation 1362048 (VCV001362048.6), dbSNP rs1361892226, ClinGen allele CA402704497.

ClinVar aggregate classification (germline): Uncertain significance (1 of 4 stars; one submission).

Conditions:
Pitt-Hopkins syndrome (PTHS). Also called: ENCEPHALOPATHY, SEVERE EPILEPTIC, WITH AUTONOMIC DYSFUNCTION; MENTAL RETARDATION, SYNDROMAL, WITH INTERMITTENT HYPERVENTILATION. Identifiers: Orphanet 2896, MedGen C1970431, MONDO:0012589, OMIM 610954.

Submission:

Labcorp Genetics (formerly Invitae), Labcorp
Classification: Uncertain significance for Pitt-Hopkins syndrome. Last evaluated: 2024-05-15. Review status: criteria provided, single submitter. Criteria: Invitae Variant Classification Sherloc (09022015). Collection method: clinical testing. Allele origin: germline.
Comment: This sequence change replaces histidine, which is basic and polar, with glutamine, which is neutral and polar, at codon 3 of the TCF4 protein (p.His3Gln). This variant is not present in population databases (gnomAD no frequency). This variant has not been reported in the literature in individuals affected with TCF4-related conditions. ClinVar contains an entry for this variant (Variation ID: 1362048). Advanced modeling of protein sequence and biophysical properties (such as structural, functional, and spatial information, amino acid conservation, physicochemical variation, residue mobility, and thermodynamic stability) performed at Invitae indicates that this missense variant is not expected to disrupt TCF4 protein function with a negative predictive value of 95%. In summary, the available evidence is currently insufficient to determine the role of this variant in disease. Therefore, it has been classified as a Variant of Uncertain Significance.